The following is an entry in ClinVar:

NM_001394998.1(TANC2):c.1086T>C (p.His362=)

Gene: TANC2 (tetratricopeptide repeat, ankyrin repeat and coiled-coil containing 2; plus strand). Cytogenetic location: 17q23.3.
Variant type: single nucleotide variant.
Coding change: c.1086T>C on transcript NM_001394998.1 (MANE Select); coding-DNA position 1086, T replaced by C.
Protein change: p.His362=; no amino-acid change (histidine 362 retained).
Molecular consequence: synonymous variant.
Genome position (GRCh38, 1-based): chr17:63,267,800, T>C. VCF-style: chr17-63267800-T-C. GRCh37 (hg19) VCF-style: chr17-61345161-T-C.
Other names: c.864T>C, p.His288= (NM_025185.4).
Identifiers: ClinVar variation 1675685 (VCV001675685.34), dbSNP rs201788663, ClinGen allele CA8697500.

ClinVar aggregate classification (germline): Likely benign (1 of 4 stars; one submission).

Allele frequency attached by ClinVar (database versions not stated): 1000 Genomes Project 0.00020; ExAC 0.00026; gnomAD exomes 0.00027 and 0.00046; gnomAD 0.00029 and 0.00045; 1000 Genomes Project 30x 0.00031; TOPMed 0.00048; ESP Exome Variant Server 0.00049.
gnomAD v4.1: 719 of 1,613,212 alleles (0.045%); highest among the groups gnomAD compares: Non-Finnish European, 0.056%; 1 homozygote.

Submission:

CeGaT Center for Human Genetics Tuebingen
Classification: Likely benign. Last evaluated: 2022-07-01. Review status: criteria provided, single submitter. Criteria: CeGaT Center For Human Genetics Tuebingen Variant Classification Criteria Version 2. Collection method: clinical testing. Allele origin: germline. Affected: yes. Observed: 2 variant alleles.
Comment: TANC2: BP4, BP7